The following is an entry in ClinVar:

ClinVar aggregate classification (germline): Uncertain significance. Review status: criteria provided, multiple submitters, no conflicts (2 of 4 stars). 2 submissions from 2 submitters: Uncertain significance (2). Last evaluated 2024-11-10.

Conditions:
Osteogenesis imperfecta type I (OI1). Also called: Lobstein's Disease; Lobstein disease; Osteogenesis imperfecta type 1; Classic Non-deforming Osteogenesis Imperfecta with Blue Sclerae; OI, TYPE I; OSTEOGENESIS IMPERFECTA TARDA. Identifiers: Orphanet 216796, Orphanet 666, MedGen C0023931, MONDO:0008146, OMIM 166200. Disease mechanism: loss of function.

Allele frequency attached by ClinVar (database versions not stated): gnomAD exomes 0.00001; ExAC 0.00002.
gnomAD v4.1: 15 of 1,614,006 alleles (0.00093%); highest among the groups gnomAD compares: East Asian, 0.0022%; no homozygotes.

Submissions (2):

Labcorp Genetics (formerly Invitae), Labcorp
Classification: Uncertain significance for Osteogenesis imperfecta type I. Last evaluated: 2024-11-10. Review status: criteria provided, single submitter. Criteria: Invitae Variant Classification Sherloc (09022015). Collection method: clinical testing. Allele origin: germline.
Comment: This sequence change replaces glutamic acid, which is acidic and polar, with lysine, which is basic and polar, at codon 1401 of the COL1A1 protein (p.Glu1401Lys). This variant is present in population databases (rs760860681, gnomAD 0.002%). This variant has not been reported in the literature in individuals affected with COL1A1-related conditions. ClinVar contains an entry for this variant (Variation ID: 2683433). Invitae Evidence Modeling of protein sequence and biophysical properties (such as structural, functional, and spatial information, amino acid conservation, physicochemical variation, residue mobility, and thermodynamic stability) has been performed for this missense variant. However, the output from this modeling did not meet the statistical confidence thresholds required to predict the impact of this variant on COL1A1 protein function. In summary, the available evidence is currently insufficient to determine the role of this variant in disease. Therefore, it has been classified as a Variant of Uncertain Significance.

Mayo Clinic Laboratories, Mayo Clinic
Classification: Uncertain significance. Last evaluated: 2023-04-17. Review status: criteria provided, single submitter. Criteria: ACMG Guidelines, 2015. Collection method: clinical testing. Allele origin: germline. Observed: 1 variant allele.
Comment: PP2, PP3

NM_000088.4(COL1A1):c.4201G>A (p.Glu1401Lys)

Gene: COL1A1 (collagen type I alpha 1 chain; minus strand). Cytogenetic location: 17q21.33.
Variant type: single nucleotide variant.
Coding change: c.4201G>A on transcript NM_000088.4 (MANE Select); coding-DNA position 4201, G replaced by A.
Protein change: p.Glu1401Lys; replaces glutamic acid 1401 with lysine.
Molecular consequence: missense variant.
Genome position (GRCh38, 1-based): chr17:50,185,825, C>T on the plus strand (G>A on the coding strand, the complement: COL1A1 is on the minus strand). VCF-style: chr17-50185825-C-T. GRCh37 (hg19) VCF-style: chr17-48263186-C-T.
Other names: p.Glu1401Lys; short protein forms E1401K.
Identifiers: ClinVar variation 2683433 (VCV002683433.3), dbSNP rs760860681, ClinGen allele CA8644231.